The following is an entry in ClinVar:

NM_001267550.2(TTN):c.104162A>C (p.Glu34721Ala)

Genes: TTN (titin; minus strand), TTN-AS1 (TTN antisense RNA 1; plus strand). Cytogenetic location: 2q31.2.
Variant type: single nucleotide variant.
Coding change: c.104162A>C on transcript NM_001267550.2 (MANE Select); coding-DNA position 104162, A replaced by C.
Protein change: p.Glu34721Ala; replaces glutamic acid 34721 with alanine.
Molecular consequence: missense variant.
Genome position (GRCh38, 1-based): chr2:178,532,453, T>G on the plus strand (A>C on the coding strand, the complement: TTN is on the minus strand). VCF-style: chr2-178532453-T-G. GRCh37 (hg19) VCF-style: chr2-179397180-T-G.
Other names: c.99239A>C, p.Glu33080Ala (NM_001256850.1); c.76967A>C, p.Glu25656Ala (NM_003319.4); c.96458A>C, p.Glu32153Ala (NM_133378.4); c.77342A>C, p.Glu25781Ala (NM_133432.3); c.77543A>C, p.Glu25848Ala (NM_133437.4); short protein forms E25848A, E34721A, E25656A, E25781A, E33080A, E32153A.
Identifiers: ClinVar variation 2943908 (VCV002943908.3), dbSNP rs2468452367, ClinGen allele CA349412339.

ClinVar aggregate classification (germline): Uncertain significance (1 of 4 stars; one submission).

Conditions:
Dilated cardiomyopathy 1G (CMD1G). Identifiers: Orphanet 154, MedGen C1858763, MONDO:0011400, OMIM 604145.
Autosomal recessive limb-girdle muscular dystrophy type 2J (LGMDR10). Also called: MUSCULAR DYSTROPHY, LIMB-GIRDLE, AUTOSOMAL RECESSIVE 10; Limb-girdle muscular dystrophy, type 2J. Identifiers: Orphanet 140922, MedGen C1837342, MONDO:0012127, OMIM 608807.

Submission:

Labcorp Genetics (formerly Invitae), Labcorp
Classification: Uncertain significance for Dilated cardiomyopathy 1G; Autosomal recessive limb-girdle muscular dystrophy type 2J. Last evaluated: 2023-02-07. Review status: criteria provided, single submitter. Criteria: Invitae Variant Classification Sherloc (09022015). Collection method: clinical testing. Allele origin: germline.
Comment: This sequence change replaces glutamic acid, which is acidic and polar, with alanine, which is neutral and non-polar, at codon 34721 of the TTN protein (p.Glu34721Ala). This variant is not present in population databases (gnomAD no frequency). This variant has not been reported in the literature in individuals affected with TTN-related conditions. Experimental studies and prediction algorithms are not available or were not evaluated, and the functional significance of this variant is currently unknown. In summary, the available evidence is currently insufficient to determine the role of this variant in disease. Therefore, it has been classified as a Variant of Uncertain Significance. This variant is located in the M band of TTN (PMID: 25589632). Variants in this region may be relevant for neuromuscular disorders, but have not been definitively shown to cause cardiomyopathy (PMID: 23975875).

Literature cited by the submitters: PubMed 25589632; PubMed 23975875.